The following is an entry in ClinVar:

NM_015693.4(INTU):c.379C>T (p.Arg127Cys)

Gene: INTU (inturned planar cell polarity protein; plus strand). Cytogenetic location: 4q28.1.
Variant type: single nucleotide variant.
Coding change: c.379C>T on transcript NM_015693.4 (MANE Select); coding-DNA position 379, C replaced by T.
Protein change: p.Arg127Cys; replaces arginine 127 with cysteine.
Molecular consequence: missense variant.
Genome position (GRCh38, 1-based): chr4:127,643,753, C>T. VCF-style: chr4-127643753-C-T. GRCh37 (hg19) VCF-style: chr4-128564908-C-T.
Other names: short protein forms R127C.
Identifiers: ClinVar variation 2618776 (VCV002618776.4), dbSNP rs551896972, ClinGen allele CA3074773.

ClinVar aggregate classification (germline): Uncertain significance. Review status: criteria provided, multiple submitters, no conflicts (2 of 4 stars). 2 submissions from 2 submitters: Uncertain significance (2). Last evaluated 2024-09-26.

Conditions:
Inborn genetic diseases. Identifiers: MedGen C0950123, MeSH D030342.

Allele frequency attached by ClinVar (database versions not stated): gnomAD 0.00002; TOPMed 0.00005; 1000 Genomes Project 30x 0.00016; 1000 Genomes Project 0.00020.

Submissions (2):

Labcorp Genetics (formerly Invitae), Labcorp
Classification: Uncertain significance. Last evaluated: 2024-09-26. Review status: criteria provided, single submitter. Criteria: Invitae Variant Classification Sherloc (09022015). Collection method: clinical testing. Allele origin: germline.
Comment: This sequence change replaces arginine, which is basic and polar, with cysteine, which is neutral and slightly polar, at codon 127 of the INTU protein (p.Arg127Cys). This variant is present in population databases (rs551896972, gnomAD 0.05%). This variant has not been reported in the literature in individuals affected with INTU-related conditions. ClinVar contains an entry for this variant (Variation ID: 2618776). Invitae Evidence Modeling of protein sequence and biophysical properties (such as structural, functional, and spatial information, amino acid conservation, physicochemical variation, residue mobility, and thermodynamic stability) indicates that this missense variant is not expected to disrupt INTU protein function with a negative predictive value of 80%. In summary, the available evidence is currently insufficient to determine the role of this variant in disease. Therefore, it has been classified as a Variant of Uncertain Significance.

Ambry Genetics
Classification: Uncertain significance for Inborn genetic diseases. Last evaluated: 2023-08-15. Review status: criteria provided, single submitter. Criteria: Ambry Variant Classification Scheme 2023. Collection method: clinical testing. Allele origin: germline.